The following is an entry in ClinVar:

ClinVar aggregate classification (germline): Uncertain significance (1 of 4 stars; one submission).

Allele frequency attached by ClinVar (database versions not stated): gnomAD exomes below 0.00001 and 0.00001; ExAC 0.00001; gnomAD 0.00001; TOPMed 0.00001.
gnomAD v4.1: 14 of 1,613,712 alleles (0.00087%); highest among the groups gnomAD compares: South Asian, 0.0022%; no homozygotes.

Submission:

Labcorp Genetics (formerly Invitae), Labcorp
Classification: Uncertain significance. Last evaluated: 2022-10-05. Review status: criteria provided, single submitter. Criteria: Invitae Variant Classification Sherloc (09022015). Collection method: clinical testing. Allele origin: germline.
Comment: In summary, the available evidence is currently insufficient to determine the role of this variant in disease. Therefore, it has been classified as a Variant of Uncertain Significance. Algorithms developed to predict the effect of sequence changes on RNA splicing suggest that this variant may create or strengthen a splice site. ClinVar contains an entry for this variant (Variation ID: 1412182). This variant has not been reported in the literature in individuals affected with AASS-related conditions. This variant is not present in population databases (gnomAD no frequency). This sequence change affects codon 390 of the AASS mRNA. It is a 'silent' change, meaning that it does not change the encoded amino acid sequence of the AASS protein.

NM_005763.4(AASS):c.1170T>A (p.Val390=)

Gene: AASS (aminoadipate-semialdehyde synthase; minus strand). Cytogenetic location: 7q31.32.
Variant type: single nucleotide variant.
Coding change: c.1170T>A on transcript NM_005763.4 (MANE Select); coding-DNA position 1170, T replaced by A.
Protein change: p.Val390=; no amino-acid change (valine 390 retained).
Molecular consequence: synonymous variant.
Genome position (GRCh38, 1-based): chr7:122,113,226, A>T on the plus strand (T>A on the coding strand, the complement: AASS is on the minus strand). VCF-style: chr7-122113226-A-T. GRCh37 (hg19) VCF-style: chr7-121753280-A-T.
Identifiers: ClinVar variation 1412182 (VCV001412182.8), dbSNP rs751112699, ClinGen allele CA4458441.